The following is an entry in ClinVar:

NM_001145358.2(SIN3A):c.1391C>G (p.Ser464Trp)

Gene: SIN3A (SIN3 transcription regulator family member A; minus strand). Cytogenetic location: 15q24.2.
Variant type: single nucleotide variant.
Coding change: c.1391C>G on transcript NM_001145358.2 (MANE Select); coding-DNA position 1391, C replaced by G.
Protein change: p.Ser464Trp; replaces serine 464 with tryptophan.
Molecular consequence: missense variant.
Genome position (GRCh38, 1-based): chr15:75,407,071, G>C on the plus strand (C>G on the coding strand, the complement: SIN3A is on the minus strand). VCF-style: chr15-75407071-G-C. GRCh37 (hg19) VCF-style: chr15-75699412-G-C.
Other names: c.1391C>G, p.Ser464Trp (NM_001145357.2, NM_015477.3); short protein forms S464W.
Identifiers: ClinVar variation 2092050 (VCV002092050.4), dbSNP rs574020537, ClinGen allele CA393439523.
Genomic context (GRCh38, chr15:75,407,071, plus strand): 5'-TGGCATTAACAGGCACTATCAAATCTAACTCATCCATTACTCACCTTATCAAAAAATAAC[G>C]ATTCTGTTCCACCACCATGTTTGCTGGCATCTGCCATAGAAGAATCCTTCAGATTGAGCA-3'
Protein context (NP_001138830.1, residues 454-474): DASKHGGGTE[Ser464Trp]LFFDKVRKAL

ClinVar aggregate classification (germline): Uncertain significance (1 of 4 stars; one submission).

Submission:

Labcorp Genetics (formerly Invitae), Labcorp
Classification: Uncertain significance. Last evaluated: 2023-10-03. Review status: criteria provided, single submitter. Criteria: Invitae Variant Classification Sherloc (09022015). Collection method: clinical testing. Allele origin: germline.
Comment: This sequence change replaces serine, which is neutral and polar, with tryptophan, which is neutral and slightly polar, at codon 464 of the SIN3A protein (p.Ser464Trp). This variant is not present in population databases (gnomAD no frequency). This variant has not been reported in the literature in individuals affected with SIN3A-related conditions. ClinVar contains an entry for this variant (Variation ID: 2092050). Advanced modeling of protein sequence and biophysical properties (such as structural, functional, and spatial information, amino acid conservation, physicochemical variation, residue mobility, and thermodynamic stability) performed at Invitae indicates that this missense variant is not expected to disrupt SIN3A protein function. In summary, the available evidence is currently insufficient to determine the role of this variant in disease. Therefore, it has been classified as a Variant of Uncertain Significance.